The following is an entry in ClinVar:

ClinVar aggregate classification (germline): Pathogenic (1 of 4 stars; one submission).

Conditions:
Deficiency of steroid 11-beta-monooxygenase (CYP11B1). Also called: ADRENAL HYPERPLASIA, CONGENITAL, DUE TO STEROID 11-BETA-HYDROXYLASE DEFICIENCY; P450C11B1 DEFICIENCY; STEROID 11-BETA-HYDROXYLASE DEFICIENCY; ADRENAL HYPERPLASIA IV; Congenital adrenal hyperplasia due to 11-beta-hydroxylase deficiency; 11-BETA-HYDROXYLASE DEFICIENCY. Identifiers: Orphanet 90795, MedGen C0268292, MONDO:0008729, OMIM 202010. Disease mechanism: loss of function.

Submission:

Clinical Biochemistry Laboratory, Health Services Laboratory
Classification: Pathogenic for Deficiency of steroid 11-beta-monooxygenase. Last evaluated: 2023-11-20. Review status: criteria provided, single submitter. Criteria: ACMG Guidelines, 2015. Collection method: clinical testing. Allele origin: germline. Affected: yes.
Comment: ACMG:PS1 PVS1 PM2 PP3 PP4

Literature cited by the submitters: PubMed 20089618.

NM_000497.4(CYP11B1):c.760_776delinsGG (p.Lys254_Ala259delinsGly)

Genes: CYP11B1 (cytochrome P450 family 11 subfamily B member 1; minus strand), LOC106799833 (CYP11B1 recombination region; plus strand). Cytogenetic location: 8q24.3.
Variant type: Indel.
Coding change: c.760_776delinsGG on transcript NM_000497.4 (MANE Select); coding-DNA positions 760 to 776, AAGGAGCACTTTGAGGC replaced by GG.
Protein change: p.Lys254_Ala259delinsGly.
Molecular consequence: inframe indel.
Genome position (GRCh38, 1-based): chr8:142,876,705-142,876,721, GCCTCAAAGTGCTCCTT replaced by CC on the plus strand (AAGGAGCACTTTGAGGC replaced by GG on the coding strand, the reverse complement: CYP11B1 is on the minus strand). VCF-style: chr8-142876705-GCCTCAAAGTGCTCCTT-CC. GRCh37 (hg19) VCF-style: chr8-143958121-GCCTCAAAGTGCTCCTT-CC.
Other names: c.760_776delinsGG, p.Lys254_Ala259delinsGly (NM_001026213.1).
Identifiers: ClinVar variation 2674655 (VCV002674655.1), dbSNP rs2488678051, ClinGen allele CA2741808824.